The following is an entry in ClinVar:

ClinVar aggregate classification (germline): Uncertain significance (1 of 4 stars; one submission).

Conditions:
Periodontitis, aggressive. Identifiers: MedGen C0031106, MONDO:0980757.
Haim-Munk syndrome (HMS). Also called: COCHIN JEWISH DISORDER; KERATOSIS PALMOPLANTARIS WITH PERIODONTOPATHIA AND ONYCHOGRYPOSIS. Identifiers: Orphanet 2342, MedGen C1855627, MONDO:0009491, OMIM 245010.
Papillon-Lefèvre syndrome (PALS). Also called: Papillon-Lefevre Disease; KERATOSIS PALMOPLANTARIS WITH PERIODONTOPATHIA. Identifiers: Orphanet 678, MedGen C0030360, MONDO:0009490, OMIM 245000.

Submission:

Labcorp Genetics (formerly Invitae), Labcorp
Classification: Uncertain significance for Haim-Munk syndrome; Aggressive periodontitis; Papillon-LefÃ¨vre syndrome. Last evaluated: 2019-12-13. Review status: criteria provided, single submitter. Criteria: Invitae Variant Classification Sherloc (09022015). Collection method: clinical testing. Allele origin: germline.
Comment: This variant results in a copy number gain of the genomic region encompassing the full coding sequence of the CTSC gene. The boundaries of this event are unknown as they extend beyond the assayed region for this gene and therefore may encompass additional genes. As the precise location of this event is unknown, it may be in tandem or it may be located elsewhere in the genome. This variant has not been reported in the literature in individuals with CTSC-related conditions. Experimental studies and prediction algorithms are not available or were not evaluated, and the functional significance of this variant is currently unknown. In summary, the available evidence is currently insufficient to determine the role of this variant in disease. Therefore, it has been classified as a Variant of Uncertain Significance.

NC_000011.10:g.(?_88293986)_(88337727_?)dup

Gene: CTSC (cathepsin C; minus strand). Cytogenetic location: 11q14.2.
Variant type: Duplication.
Identifiers: ClinVar variation 830637 (VCV000830637.1).